The following is an entry in ClinVar:

ClinVar aggregate classification (germline): Uncertain significance. Review status: criteria provided, multiple submitters, no conflicts (2 of 4 stars). 2 submissions from 2 submitters: Uncertain significance (2). Last evaluated 2026-01-05.

Conditions:
Charcot-Marie-Tooth disease type 2. Also called: Charcot-Marie-Tooth type 2. Identifiers: Orphanet 64746, MedGen C0270914, MONDO:0018993.
Hereditary spastic paraplegia. Also called: Familial spastic paraparesis. Identifiers: Orphanet 685, MedGen C0037773, MONDO:0019064. Disease mechanism: loss of function.

Allele frequency attached by ClinVar (database versions not stated): gnomAD exomes below 0.00001; TOPMed below 0.00001; ExAC 0.00001.

Submissions (2):

Labcorp Genetics (formerly Invitae), Labcorp
Classification: Uncertain significance for Charcot-Marie-Tooth disease type 2. Last evaluated: 2026-01-05. Review status: criteria provided, single submitter. Criteria: Invitae Variant Classification Sherloc (09022015). Collection method: clinical testing. Allele origin: germline.
Comment: This sequence change replaces aspartic acid, which is acidic and polar, with histidine, which is basic and polar, at codon 310 of the BSCL2 protein (p.Asp310His). This variant is not present in population databases (gnomAD no frequency). This variant has not been reported in the literature in individuals affected with BSCL2-related conditions. ClinVar contains an entry for this variant (Variation ID: 1027334). Invitae Evidence Modeling of protein sequence and biophysical properties (such as structural, functional, and spatial information, amino acid conservation, physicochemical variation, residue mobility, and thermodynamic stability) indicates that this missense variant is not expected to disrupt BSCL2 protein function with a negative predictive value of 80%. In summary, the available evidence is currently insufficient to determine the role of this variant in disease. Therefore, it has been classified as a Variant of Uncertain Significance.

Genome Diagnostics Laboratory, The Hospital for Sick Children
Classification: Uncertain significance for Hereditary spastic paraplegia. Last evaluated: 2021-04-19. Review status: criteria provided, single submitter. Criteria: ACMG Guidelines, 2015. Collection method: clinical testing. Allele origin: germline. Affected: yes.

NM_001122955.4(BSCL2):c.1120G>C (p.Asp374His)

Genes: BSCL2 (BSCL2 lipid droplet biogenesis associated, seipin; minus strand), HNRNPUL2-BSCL2 (HNRNPUL2-BSCL2 readthrough (NMD candidate); minus strand). Cytogenetic location: 11q12.3.
Variant type: single nucleotide variant.
Coding change: c.1120G>C on transcript NM_001122955.4 (MANE Select); coding-DNA position 1120, G replaced by C.
Protein change: p.Asp374His; replaces aspartic acid 374 with histidine.
Molecular consequence: missense variant. On other transcripts: non-coding transcript variant (1).
Genome position (GRCh38, 1-based): chr11:62,690,820, C>G on the plus strand (G>C on the coding strand, the complement: BSCL2 is on the minus strand). VCF-style: chr11-62690820-C-G. GRCh37 (hg19) VCF-style: chr11-62458292-C-G.
Other names: c.786G>C, p.Arg262Ser (NM_001130702.2); c.1126G>C, p.Asp376His (NM_001386027.1); c.1120G>C, p.Asp374His (NM_001386028.1); c.928G>C, p.Asp310His (NM_032667.6); short protein forms D310H, D374H, D376H, R262S.
Identifiers: ClinVar variation 1027334 (VCV001027334.11), dbSNP rs778455259, ClinGen allele CA6053323.